The following is an entry in ClinVar:

NM_003413.4(ZIC3):c.476_479del (p.Tyr159fs)

Gene: ZIC3 (Zic family zinc finger 3; plus strand). Cytogenetic location: Xq26.3.
Variant type: Deletion.
Coding change: c.476_479del on transcript NM_003413.4 (MANE Select); coding-DNA positions 476 to 479, 4 bases deleted (ACTT; older notation c.476_479delACTT).
Protein change: p.Tyr159fs; shifts the reading frame from tyrosine 159.
Molecular consequence: frameshift variant.
Genome position (GRCh38, 1-based): chrX:137,567,167-137,567,170, ACTT deleted; deleting any 4 consecutive bases within chrX:137,567,166-137,567,170 gives the same sequence; the c. name uses the placement nearest the transcript's 3' end. VCF-style (leftmost placement, unchanged base first): chrX-137567165-CTACT-C. GRCh37 (hg19) VCF-style: chrX-136649324-CTACT-C.
Other names: c.476_479del, p.Tyr159fs (NM_001330661.1); short protein forms Y159fs.
Identifiers: ClinVar variation 464967 (VCV000464967.6), dbSNP rs1556029841, ClinGen allele CA658659048.

ClinVar aggregate classification (germline): Pathogenic (1 of 4 stars; one submission).

Conditions:
Heterotaxy, visceral, 1, X-linked (HTX1). Also called: DEXTROCARDIA WITH OTHER CARDIAC MALFORMATIONS; SITUS INVERSUS, COMPLEX CARDIAC DEFECTS, AND SPLENIC DEFECTS, X-LINKED; Laterality, X-linked; Visceral heterotaxia. Identifiers: Orphanet 450, MedGen C1844020, MONDO:0010607, OMIM 306955.

Submission:

Labcorp Genetics (formerly Invitae), Labcorp
Classification: Pathogenic for Heterotaxy, visceral, 1, X-linked. Last evaluated: 2023-11-25. Review status: criteria provided, single submitter. Criteria: Invitae Variant Classification Sherloc (09022015). Collection method: clinical testing. Allele origin: germline.
Comment: This sequence change creates a premature translational stop signal (p.Tyr159Cysfs*63) in the ZIC3 gene. It is expected to result in an absent or disrupted protein product. Loss-of-function variants in ZIC3 are known to be pathogenic (PMID: 24123890). This variant is not present in population databases (gnomAD no frequency). This variant has not been reported in the literature in individuals affected with ZIC3-related conditions. ClinVar contains an entry for this variant (Variation ID: 464967). For these reasons, this variant has been classified as Pathogenic.

Literature cited by the submitters: PubMed 24123890.